The following is an entry in ClinVar:

ClinVar aggregate classification (germline): Uncertain significance (1 of 4 stars; one submission).

Conditions:
Hereditary cancer-predisposing syndrome. Also called: Neoplastic Syndromes, Hereditary; Tumor predisposition; Hereditary neoplastic syndrome; Hereditary Cancer Syndrome. Identifiers: Orphanet 140162, MedGen C0027672, MeSH D009386, MONDO:0015356.

gnomAD v4.1: 3 of 1,614,178 alleles (0.00019%); highest among the groups gnomAD compares: Non-Finnish European, 0.00025%; no homozygotes.

Submission:

Ambry Genetics
Classification: Uncertain significance for Hereditary cancer-predisposing syndrome. Last evaluated: 2025-05-18. Review status: criteria provided, single submitter. Criteria: Ambry Variant Classification Scheme 2023. Collection method: clinical testing. Allele origin: germline.
Comment: The p.P52R variant (also known as c.155C>G), located in coding exon 2 of the MITF gene, results from a C to G substitution at nucleotide position 155. The proline at codon 52 is replaced by arginine, an amino acid with dissimilar properties. This amino acid position is conserved. In addition, the in silico prediction for this alteration is inconclusive. Based on the available evidence, the clinical significance of this variant remains unclear.

NM_001354604.2(MITF):c.476C>G (p.Pro159Arg)

Gene: MITF (melanocyte inducing transcription factor; plus strand). Cytogenetic location: 3p13.
Variant type: single nucleotide variant.
Coding change: c.476C>G on transcript NM_001354604.2 (MANE Select); coding-DNA position 476, C replaced by G.
Protein change: p.Pro159Arg; replaces proline 159 with arginine.
Molecular consequence: missense variant. On other transcripts: intron variant (1).
Genome position (GRCh38, 1-based): chr3:69,937,943, C>G. VCF-style: chr3-69937943-C-G. GRCh37 (hg19) VCF-style: chr3-69987094-C-G.
Other names: c.155C>G, p.Pro52Arg (NM_001184968.2, NM_198158.3, NM_000248.4); c.473C>G, p.Pro158Arg (NM_001354605.2, NM_001354606.2, NM_006722.3); c.425C>G, p.Pro142Arg (NM_001354607.2); c.320C>G, p.Pro107Arg (NM_001354608.2, NM_001184967.2); c.476C>G, p.Pro159Arg (NM_198159.3); c.428C>G, p.Pro143Arg (NM_198177.3); c.93+62C>G (NM_198178.3); short protein forms P158R, P52R, P142R, P143R, P159R, P107R.
Identifiers: ClinVar variation 4055209 (VCV004055209.1).